The following is an entry in ClinVar:

NM_000751.3(CHRND):c.369C>G (p.Phe123Leu)

Gene: CHRND (cholinergic receptor nicotinic delta subunit; plus strand). Cytogenetic location: 2q37.1.
Variant type: single nucleotide variant.
Coding change: c.369C>G on transcript NM_000751.3 (MANE Select); coding-DNA position 369, C replaced by G.
Protein change: p.Phe123Leu; replaces phenylalanine 123 with leucine.
Molecular consequence: missense variant.
Genome position (GRCh38, 1-based): chr2:232,528,516, C>G. VCF-style: chr2-232528516-C-G. GRCh37 (hg19) VCF-style: chr2-233393226-C-G.
Other names: c.369C>G (NM_000751.1); c.324C>G, p.Phe108Leu (NM_001256657.2); c.98C>G, p.Ser33Cys (NM_001311195.2); c.66C>G, p.Phe22Leu (NM_001311196.2); short protein forms F108L, F22L, S33C, F123L.
Identifiers: ClinVar variation 2142741 (VCV002142741.8), dbSNP rs751310035, ClinGen allele CA2168016.

ClinVar aggregate classification (germline): Uncertain significance. Review status: criteria provided, multiple submitters, no conflicts (2 of 4 stars). 3 submissions from 3 submitters: Uncertain significance (3). Last evaluated 2025-08-13.

Conditions:
Inborn genetic diseases. Identifiers: MedGen C0950123, MeSH D030342.
Lethal multiple pterygium syndrome (LMPS). Identifiers: Orphanet 33108, MedGen C1854678, MONDO:0009668, OMIM 253290.

Allele frequency attached by ClinVar (database versions not stated): ExAC 0.00001; TOPMed 0.00002; gnomAD 0.00003; gnomAD exomes 0.00003.
gnomAD v4.1: 42 of 1,614,020 alleles (0.0026%); highest among the groups gnomAD compares: Non-Finnish European, 0.0034%; no homozygotes.

Submissions (3):

Ambry Genetics
Classification: Uncertain significance for Inborn genetic diseases. Last evaluated: 2025-08-13. Review status: criteria provided, single submitter. Criteria: Ambry Variant Classification Scheme 2023. Collection method: clinical testing. Allele origin: germline.

Labcorp Genetics (formerly Invitae), Labcorp
Classification: Uncertain significance for Lethal multiple pterygium syndrome. Last evaluated: 2022-11-01. Review status: criteria provided, single submitter. Criteria: Invitae Variant Classification Sherloc (09022015). Collection method: clinical testing. Allele origin: germline.
Comment: This sequence change replaces phenylalanine, which is neutral and non-polar, with leucine, which is neutral and non-polar, at codon 123 of the CHRND protein (p.Phe123Leu). This variant is present in population databases (rs751310035, gnomAD 0.004%). This variant has not been reported in the literature in individuals affected with CHRND-related conditions. Advanced modeling of protein sequence and biophysical properties (such as structural, functional, and spatial information, amino acid conservation, physicochemical variation, residue mobility, and thermodynamic stability) performed at Invitae indicates that this missense variant is not expected to disrupt CHRND protein function. In summary, the available evidence is currently insufficient to determine the role of this variant in disease. Therefore, it has been classified as a Variant of Uncertain Significance.

Revvity Omics, Revvity
Classification: Uncertain significance. Last evaluated: 2019-12-10. Review status: criteria provided, single submitter. Criteria: ACMG Guidelines, 2015. Collection method: clinical testing. Allele origin: germline.